The following is an entry in ClinVar:

ClinVar aggregate classification (germline): Benign/Likely benign. Review status: criteria provided, multiple submitters, no conflicts (2 of 4 stars). 3 submissions from 3 submitters: Benign (1); Likely benign (1). 1 of the submissions does not count toward it. Last evaluated 2026-04-01.

Conditions:
GDAP2-related disorder. Also called: GDAP2-related condition.

Allele frequency attached by ClinVar (database versions not stated): 1000 Genomes Project 0.00160; TOPMed 0.00171; 1000 Genomes Project 30x 0.00187; gnomAD 0.00188; ExAC 0.00240; gnomAD exomes 0.00276; ESP Exome Variant Server 0.00277.
gnomAD v4.1: 3,932 of 1,497,244 alleles (0.26%); highest among the groups gnomAD compares: Non-Finnish European, 0.34%; 12 homozygotes.

Submissions (3):

CeGaT Center for Human Genetics Tuebingen
Classification: Likely benign. Last evaluated: 2026-04-01. Review status: criteria provided, single submitter. Criteria: CeGaT Center For Human Genetics Tuebingen Variant Classification Criteria Version 2. Collection method: clinical testing. Allele origin: germline. Affected: yes. Observed: 3 variant alleles.
Comment: GDAP2: BP4, BS2

Mayo Clinic Laboratories, Mayo Clinic
Classification: Benign. Last evaluated: 2025-01-13. Review status: criteria provided, single submitter. Criteria: ACMG Guidelines, 2015. Collection method: clinical testing. Allele origin: germline. Observed: 4 variant alleles.
Comment: BS1, BS2, BP4, BP7

PreventionGenetics, part of Exact Sciences
Classification: Likely benign for GDAP2-related condition. Last evaluated: 2022-12-28. Review status: no assertion criteria provided. Collection method: clinical testing. Allele origin: germline. Not counted in ClinVar's aggregate classification.
Comment: This variant is classified as likely benign based on ACMG/AMP sequence variant interpretation guidelines (Richards et al. 2015 PMID: 25741868, with internal and published modifications).

NM_017686.4(GDAP2):c.1302+3A>G

Gene: GDAP2 (ganglioside induced differentiation associated protein 2; minus strand). Cytogenetic location: 1p12.
Variant type: single nucleotide variant.
Coding change: c.1302+3A>G on transcript NM_017686.4 (MANE Select); 3 bases into the intron after coding-DNA position 1302, A replaced by G.
Molecular consequence: intron variant.
Genome position (GRCh38, 1-based): chr1:117,881,820, T>C on the plus strand (A>G on the coding strand, the complement: GDAP2 is on the minus strand). VCF-style: chr1-117881820-T-C. GRCh37 (hg19) VCF-style: chr1-118424442-T-C.
Other names: p.?; c.1302+3A>G (NM_017686.3, NM_001135589.3).
Identifiers: ClinVar variation 2639033 (VCV002639033.26), dbSNP rs183701902, ClinGen allele CA1031387.